The following is an entry in ClinVar:

ClinVar aggregate classification (germline): Uncertain significance. Review status: criteria provided, single submitter (1 of 4 stars). 2 submissions from 2 submitters: Uncertain significance (1). 1 of the submissions does not count toward it. Last evaluated 2017-04-01.

Conditions:
PLXNA3-related disorder. Also called: PLXNA3-related condition.

Allele frequency attached by ClinVar (database versions not stated): ExAC 0.00033; TOPMed 0.00035; gnomAD 0.00036 and 0.00038; gnomAD exomes 0.00042 and 0.00076; ESP Exome Variant Server 0.00057.
gnomAD v4.1: 845 of 1,201,678 alleles (0.07%); highest among the groups gnomAD compares: Non-Finnish European, 0.093%; no homozygotes.

Submissions (2):

CeGaT Center for Human Genetics Tuebingen
Classification: Uncertain significance. Last evaluated: 2017-04-01. Review status: criteria provided, single submitter. Criteria: CeGaT Center For Human Genetics Tuebingen Variant Classification Criteria Version 2. Collection method: clinical testing. Allele origin: germline. Affected: yes. Observed: 1 variant allele.

PreventionGenetics, part of Exact Sciences
Classification: Likely benign for PLXNA3-related condition. Last evaluated: 2021-12-09. Review status: no assertion criteria provided. Collection method: clinical testing. Allele origin: germline. Not counted in ClinVar's aggregate classification.
Comment: This variant is classified as likely benign based on ACMG/AMP sequence variant interpretation guidelines (Richards et al. 2015 PMID: 25741868, with internal and published modifications).

NM_017514.5(PLXNA3):c.2936+8G>A

Gene: PLXNA3 (plexin A3; plus strand). Cytogenetic location: Xq28.
Variant type: single nucleotide variant.
Coding change: c.2936+8G>A on transcript NM_017514.5 (MANE Select); 8 bases into the intron after coding-DNA position 2936, G replaced by A.
Molecular consequence: intron variant.
Genome position (GRCh38, 1-based): chrX:154,466,520, G>A. VCF-style: chrX-154466520-G-A. GRCh37 (hg19) VCF-style: chrX-153694863-G-A.
Other names: c.2936+8G>A (NM_017514.4).
Identifiers: ClinVar variation 444837 (VCV000444837.44), dbSNP rs374246725, ClinGen allele CA10564509.